The following is an entry in ClinVar:

ClinVar aggregate classification (germline): Conflicting classifications of pathogenicity. Review status: criteria provided, conflicting classifications (1 of 4 stars). 5 submissions from 5 submitters: Uncertain significance (2); Benign (1); Likely benign (2). Last evaluated 2025-12-20.

Conditions:
Autosomal recessive limb-girdle muscular dystrophy type 2J (LGMDR10). Also called: Limb-girdle muscular dystrophy, type 2J; MUSCULAR DYSTROPHY, LIMB-GIRDLE, AUTOSOMAL RECESSIVE 10. Identifiers: Orphanet 140922, MedGen C1837342, MONDO:0012127, OMIM 608807.
Dilated cardiomyopathy 1G (CMD1G). Identifiers: Orphanet 154, MedGen C1858763, MONDO:0011400, OMIM 604145.
Cardiovascular phenotype. Identifiers: MedGen CN230736.
TTN-related disorder. Also called: TTN-related disorders; TTN-related condition; TTN-related disease.

Allele frequency attached by ClinVar (database versions not stated): ESP Exome Variant Server 0.00008; gnomAD 0.00003; gnomAD exomes 0.00003 and 0.00007; ExAC 0.00004; TOPMed 0.00005.
gnomAD v4.1: 57 of 1,610,392 alleles (0.0035%); highest among the groups gnomAD compares: Non-Finnish European, 0.0018%; 1 homozygote.

Submissions (5):

Labcorp Genetics (formerly Invitae), Labcorp
Classification: Benign for Dilated cardiomyopathy 1G; Autosomal recessive limb-girdle muscular dystrophy type 2J. Last evaluated: 2025-12-20. Review status: criteria provided, single submitter. Criteria: Invitae Variant Classification Sherloc (09022015). Collection method: clinical testing. Allele origin: germline.

PreventionGenetics, part of Exact Sciences
Classification: Uncertain significance for TTN-related condition. Last evaluated: 2025-08-07. Review status: criteria provided, single submitter. Criteria: ACMG Guidelines, 2015. Collection method: clinical testing. Allele origin: germline.
Comment: The TTN c.53943A>T variant is not predicted to result in an amino acid change (p.=). This variant is predicted to alter splicing based on available splicing prediction programs (SpliceAI, Jaganathan et al. 2019. PubMed ID: 30661751). However, the use of computer prediction programs is not equivalent to functional evidence. To our knowledge, this variant has not been reported in the literature. This variant is reported in 0.13% of alleles in individuals of Ashkenazi Jewish descent in gnomAD. Although we suspect that this variant may be benign, at this time, the clinical significance of this variant is uncertain due to the absence of conclusive functional and genetic evidence.

CeGaT Center for Human Genetics Tuebingen
Classification: Likely benign. Last evaluated: 2024-11-01. Review status: criteria provided, single submitter. Criteria: CeGaT Center For Human Genetics Tuebingen Variant Classification Criteria Version 2. Collection method: clinical testing. Allele origin: germline. Affected: yes. Observed: 5 variant alleles.
Comment: TTN: BP4, BP7

Ambry Genetics
Classification: Likely benign for Cardiovascular phenotype. Last evaluated: 2023-02-13. Review status: criteria provided, single submitter. Criteria: Ambry Variant Classification Scheme 2023. Collection method: clinical testing. Allele origin: germline.

GeneDx
Classification: Uncertain significance. Last evaluated: 2021-07-27. Review status: criteria provided, single submitter. Criteria: GeneDx Variant Classification Process June 2021. Collection method: clinical testing. Allele origin: germline. Affected: yes.
Comment: Has not been previously published as pathogenic or benign to our knowledge; In silico analysis suggests this variant may impact gene splicing; however, in the absence of RNA/functional studies, the actual effect of this sequence change is unknown; Reported in ClinVar but additional evidence is not available (ClinVar Variant ID#700184; Landrum et al., 2016)

NM_001267550.2(TTN):c.53943A>T (p.Gly17981=)

Genes: TTN (titin; minus strand), TTN-AS1 (TTN antisense RNA 1; plus strand). Cytogenetic location: 2q31.2.
Variant type: single nucleotide variant.
Coding change: c.53943A>T on transcript NM_001267550.2 (MANE Select); coding-DNA position 53943, A replaced by T.
Protein change: p.Gly17981=; no amino-acid change (glycine 17981 retained).
Molecular consequence: synonymous variant. On other transcripts: non-coding transcript variant (1).
Genome position (GRCh38, 1-based): chr2:178,605,234, T>A on the plus strand (A>T on the coding strand, the complement: TTN is on the minus strand). VCF-style: chr2-178605234-T-A. GRCh37 (hg19) VCF-style: chr2-179469961-T-A.
Other names: c.49020A>T, p.Gly16340= (NM_001256850.1); c.26748A>T, p.Gly8916= (NM_003319.4); c.46239A>T, p.Gly15413= (NM_133378.4); c.27123A>T, p.Gly9041= (NM_133432.3); c.27324A>T, p.Gly9108= (NM_133437.4).
Identifiers: ClinVar variation 700184 (VCV000700184.47), dbSNP rs367580862, ClinGen allele CA1993715.